The following is an entry in ClinVar:

NM_022829.6(SLC13A3):c.1796T>A (p.Phe599Tyr)

Gene: SLC13A3 (solute carrier family 13 member 3; minus strand). Cytogenetic location: 20q13.12.
Variant type: single nucleotide variant.
Coding change: c.1796T>A on transcript NM_022829.6 (MANE Select); coding-DNA position 1796, T replaced by A.
Protein change: p.Phe599Tyr; replaces phenylalanine 599 with tyrosine.
Molecular consequence: missense variant.
Genome position (GRCh38, 1-based): chr20:46,560,035, A>T on the plus strand (T>A on the coding strand, the complement: SLC13A3 is on the minus strand). VCF-style: chr20-46560035-A-T. GRCh37 (hg19) VCF-style: chr20-45188674-A-T.
Other names: c.1655T>A, p.Phe552Tyr (NM_001011554.3); c.1646T>A, p.Phe549Tyr (NM_001193339.2); c.1550T>A, p.Phe517Tyr (NM_001193340.2); c.1502T>A, p.Phe501Tyr (NM_001193342.2); short protein forms F501Y, F549Y, F599Y, F517Y, F552Y.
Identifiers: ClinVar variation 2109854 (VCV002109854.4), dbSNP rs2516527956, ClinGen allele CA409257213.
Genomic context (GRCh38, chr20:46,560,035, plus strand): 5'-ACAGCCCTTTGAGAGGGTTCAGCCTCAAGGGAGTCCTCCAGGGGGACTCAGAGGGTCCGA[A>T]ATGTGTCATTGGCCAAGGTGGGTGGCAATGCTGTGACATTGACCGAGTACATATCAGCCC-3'
Protein context (NP_073740.2, residues 589-602): ALPPTLANDT[Phe599Tyr]RTL

ClinVar aggregate classification (germline): Uncertain significance (1 of 4 stars; one submission).

Submission:

Labcorp Genetics (formerly Invitae), Labcorp
Classification: Uncertain significance. Last evaluated: 2024-05-06. Review status: criteria provided, single submitter. Criteria: Invitae Variant Classification Sherloc (09022015). Collection method: clinical testing. Allele origin: germline.
Comment: This sequence change replaces phenylalanine, which is neutral and non-polar, with tyrosine, which is neutral and polar, at codon 599 of the SLC13A3 protein (p.Phe599Tyr). This variant is not present in population databases (gnomAD no frequency). This variant has not been reported in the literature in individuals affected with SLC13A3-related conditions. ClinVar contains an entry for this variant (Variation ID: 2109854). Algorithms developed to predict the effect of missense changes on protein structure and function output the following: SIFT: "Not Available"; PolyPhen-2: "Benign"; Align-GVGD: "Not Available". The tyrosine amino acid residue is found in multiple mammalian species, which suggests that this missense change does not adversely affect protein function. In summary, the available evidence is currently insufficient to determine the role of this variant in disease. Therefore, it has been classified as a Variant of Uncertain Significance.